The following is an entry in ClinVar:

NM_000321.3(RB1):c.381-1G>C

Gene: RB1 (RB transcriptional corepressor 1; plus strand). Cytogenetic location: 13q14.2.
Variant type: single nucleotide variant.
Coding change: c.381-1G>C on transcript NM_000321.3 (MANE Select); the canonical splice acceptor site of the intron before coding-DNA position 381, G replaced by C.
Molecular consequence: splice acceptor variant.
Genome position (GRCh38, 1-based): chr13:48,345,079, G>C. VCF-style: chr13-48345079-G-C. GRCh37 (hg19) VCF-style: chr13-48919215-G-C.
Other names: c.381-1G>C (NM_001407165.1, NM_001407166.1).
Identifiers: ClinVar variation 3721288 (VCV003721288.2).

ClinVar aggregate classification (germline): Pathogenic (1 of 4 stars; one submission).

Conditions:
Retinoblastoma (RB1). Also called: RETINOBLASTOMA, SOMATIC. Identifiers: Orphanet 790, MedGen C0035335, MeSH D012175, MONDO:0008380, OMIM 180200, HP:0009919. Disease mechanism: loss of function. Inheritance: Both sporadic and heritable forms are tested..

Submission:

Labcorp Genetics (formerly Invitae), Labcorp
Classification: Pathogenic for Retinoblastoma. Last evaluated: 2024-07-30. Review status: criteria provided, single submitter. Criteria: Invitae Variant Classification Sherloc (09022015). Collection method: clinical testing. Allele origin: germline.
Comment: This sequence change affects an acceptor splice site in intron 3 of the RB1 gene. It is expected to disrupt RNA splicing. Variants that disrupt the donor or acceptor splice site typically lead to a loss of protein function (PMID: 16199547), and loss-of-function variants in RB1 are known to be pathogenic (PMID: 17096365). This variant is not present in population databases (gnomAD no frequency). Disruption of this splice site has been observed in individual(s) with bilateral retinoblastoma (PMID: 15776430). Algorithms developed to predict the effect of sequence changes on RNA splicing suggest that this variant may disrupt the consensus splice site. For these reasons, this variant has been classified as Pathogenic.

Literature cited by the submitters: PubMed 16199547; PubMed 17096365; PubMed 15776430.